The following is an entry in ClinVar:

NM_006390.4(IPO8):c.933A>G (p.Gln311=)

Gene: IPO8 (importin 8; minus strand). Cytogenetic location: 12p11.21.
Variant type: single nucleotide variant.
Coding change: c.933A>G on transcript NM_006390.4 (MANE Select); coding-DNA position 933, A replaced by G.
Protein change: p.Gln311=; no amino-acid change (glutamine 311 retained).
Molecular consequence: synonymous variant.
Genome position (GRCh38, 1-based): chr12:30,671,073, T>C on the plus strand (A>G on the coding strand, the complement: IPO8 is on the minus strand). VCF-style: chr12-30671073-T-C. GRCh37 (hg19) VCF-style: chr12-30824007-T-C.
Other names: c.318A>G, p.Gln106= (NM_001190995.2).
Identifiers: ClinVar variation 3771707 (VCV003771707.13).

ClinVar aggregate classification (germline): Likely benign (1 of 4 stars; one submission).

gnomAD v4.1: 3 of 1,602,256 alleles (0.00019%); highest among the groups gnomAD compares: Middle Eastern, 0.033%; no homozygotes.

Submission:

CeGaT Center for Human Genetics Tuebingen
Classification: Likely benign. Last evaluated: 2024-12-01. Review status: criteria provided, single submitter. Criteria: CeGaT Center For Human Genetics Tuebingen Variant Classification Criteria Version 2. Collection method: clinical testing. Allele origin: germline. Affected: yes. Observed: 1 variant allele.
Comment: IPO8: BP4, BP7